The following is an entry in ClinVar:

NM_004656.4(BAP1):c.240G>T (p.Met80Ile)

Gene: BAP1 (BRCA1 associated deubiquitinase 1; minus strand). Cytogenetic location: 3p21.1.
Variant type: single nucleotide variant.
Coding change: c.240G>T on transcript NM_004656.4 (MANE Select); coding-DNA position 240, G replaced by T.
Protein change: p.Met80Ile; replaces methionine 80 with isoleucine.
Molecular consequence: missense variant.
Genome position (GRCh38, 1-based): chr3:52,408,489, C>A on the plus strand (G>T on the coding strand, the complement: BAP1 is on the minus strand). VCF-style: chr3-52408489-C-A. GRCh37 (hg19) VCF-style: chr3-52442505-C-A.
Other names: short protein forms M80I.
Identifiers: ClinVar variation 490849 (VCV000490849.17), dbSNP rs755878197, ClinGen allele CA353112934.
Genomic context (GRCh38, chr3:52,408,489, plus strand): 5'-ATGGCAGCATCCCACCCTCCAAACAAAGCACAGAGTCCAGCAGACCTGGTGGGCAAAGAA[C>A]ATGTTATTCACAATATCATCATCAATCACGGACGTATCATCCACCAAGGTAGAGACCTTT-3'
Protein context (NP_004647.1, residues 70-90): SVIDDDIVNN[Met80Ile]FFAHQLIPNS

ClinVar aggregate classification (germline): Uncertain significance. Review status: criteria provided, multiple submitters, no conflicts (2 of 4 stars). 5 submissions from 5 submitters: Uncertain significance (5). Last evaluated 2025-11-10.

Conditions:
Hereditary cancer-predisposing syndrome. Also called: Hereditary Cancer Syndrome; Neoplastic Syndromes, Hereditary; Tumor predisposition; Hereditary neoplastic syndrome. Identifiers: Orphanet 140162, MedGen C0027672, MeSH D009386, MONDO:0015356.
BAP1-related disorder. Also called: BAP1-related condition.
BAP1-related tumor predisposition syndrome (TPDS1). Also called: Tumor susceptibility linked to germline BAP1 mutations; BAP1 tumor predisposition syndrome; COMMON Syndrome; TUMOR PREDISPOSITION SYNDROME 1. Identifiers: Orphanet 289539, MedGen C3280492, MONDO:0013692, OMIM 614327.

Allele frequency attached by ClinVar (database versions not stated): gnomAD below 0.00001 and 0.00001; TOPMed below 0.00001; 1000 Genomes Project 30x 0.00016.
gnomAD v4.1: 18 of 1,611,870 alleles (0.0011%); highest among the groups gnomAD compares: South Asian, 0.018%; no homozygotes.

Submissions (5):

Color Diagnostics, LLC DBA Color Health
Classification: Uncertain significance for Hereditary cancer-predisposing syndrome. Last evaluated: 2025-11-10. Review status: criteria provided, single submitter. Criteria: ACMG Guidelines, 2015. Collection method: clinical testing. Allele origin: germline.
Comment: This missense variant replaces methionine with isoleucine at codon 80 of the BAP1 protein. Computational prediction suggests that this variant may not impact protein structure and function. To our knowledge, functional studies have not been reported for this variant. This variant has not been reported in individuals affected with hereditary cancer in the literature. This variant has not been identified in the general population by the Genome Aggregation Database (gnomAD). The available evidence is insufficient to determine the role of this variant in disease conclusively. Therefore, this variant is classified as a Variant of Uncertain Significance.

Ambry Genetics
Classification: Uncertain significance for Hereditary cancer-predisposing syndrome. Last evaluated: 2024-07-17. Review status: criteria provided, single submitter. Criteria: Ambry Variant Classification Scheme 2023. Collection method: clinical testing. Allele origin: germline.
Comment: The p.M80I variant (also known as c.240G>T), located in coding exon 4 of the BAP1 gene, results from a G to T substitution at nucleotide position 240. The methionine at codon 80 is replaced by isoleucine, an amino acid with highly similar properties. This amino acid position is highly conserved in available vertebrate species. In addition, the in silico prediction for this alteration is inconclusive. Based on the available evidence, the clinical significance of this variant remains unclear.

Labcorp Genetics (formerly Invitae), Labcorp
Classification: Uncertain significance for BAP1-related tumor predisposition syndrome. Last evaluated: 2024-03-24. Review status: criteria provided, single submitter. Criteria: Invitae Variant Classification Sherloc (09022015). Collection method: clinical testing. Allele origin: germline.
Comment: This sequence change replaces methionine, which is neutral and non-polar, with isoleucine, which is neutral and non-polar, at codon 80 of the BAP1 protein (p.Met80Ile). This variant is not present in population databases (gnomAD no frequency). This variant has not been reported in the literature in individuals affected with BAP1-related conditions. ClinVar contains an entry for this variant (Variation ID: 490849). Advanced modeling of protein sequence and biophysical properties (such as structural, functional, and spatial information, amino acid conservation, physicochemical variation, residue mobility, and thermodynamic stability) performed at Invitae indicates that this missense variant is not expected to disrupt BAP1 protein function with a negative predictive value of 80%. In summary, the available evidence is currently insufficient to determine the role of this variant in disease. Therefore, it has been classified as a Variant of Uncertain Significance.

PreventionGenetics, part of Exact Sciences
Classification: Uncertain significance for BAP1-related condition. Last evaluated: 2023-06-01. Review status: criteria provided, single submitter. Criteria: ACMG Guidelines, 2015. Collection method: clinical testing. Allele origin: germline.
Comment: The BAP1 c.240G>T variant is predicted to result in the amino acid substitution p.Met80Ile. To our knowledge, this variant has not been reported in the literature or in a large population database, indicating this variant is rare. It is interpreted as uncertain significance. At this time, the clinical significance of this variant is uncertain due to the absence of conclusive functional and genetic evidence.

GeneDx
Classification: Uncertain significance. Last evaluated: 2019-12-20. Review status: criteria provided, single submitter. Criteria: GeneDx Variant Classification Process June 2021. Collection method: clinical testing. Allele origin: germline. Affected: yes.
Comment: In silico analysis, which includes protein predictors and evolutionary conservation, supports that this variant does not alter protein structure/function; Has not been previously published as pathogenic or benign to our knowledge; No data available from control populations to assess the frequency of this variant